The following is an entry in ClinVar:

ClinVar aggregate classification (germline): Conflicting classifications of pathogenicity. Review status: criteria provided, conflicting classifications (1 of 4 stars). 8 submissions from 8 submitters: Likely pathogenic (2); Uncertain significance (5). 1 of the submissions does not count toward it. Last evaluated 2026-01-29.

Conditions:
DDX41-related disorder. Also called: DDX41-related condition.
DDX41-related hematologic malignancy predisposition syndrome. Also called: Myeloproliferative/lymphoproliferative neoplasms, familial (multiple types), susceptibility to; DDX41-Associated Familial Myelodysplastic Syndrome and Acute Myeloid Leukemia. Identifiers: Orphanet 488647, MedGen C4225174, MONDO:0014809, OMIM 616871.
DDX41-related disorders.
Inborn genetic diseases. Identifiers: MedGen C0950123, MeSH D030342.

Allele frequency attached by ClinVar (database versions not stated): gnomAD exomes 0.00001; TOPMed 0.00002; gnomAD 0.00003.
gnomAD v4.1: 15 of 1,614,014 alleles (0.00093%); highest among the groups gnomAD compares: African/African-American, 0.0013%; no homozygotes.

Submissions (8):

Labcorp Genetics (formerly Invitae), Labcorp
Classification: Uncertain significance. Last evaluated: 2026-01-29. Review status: criteria provided, single submitter. Criteria: Invitae Variant Classification Sherloc (09022015). Collection method: clinical testing. Allele origin: germline.
Comment: This sequence change replaces tyrosine, which is neutral and polar, with cysteine, which is neutral and slightly polar, at codon 516 of the DDX41 protein (p.Tyr516Cys). This variant is not present in population databases (gnomAD no frequency). This missense change has been observed in individual(s) with hematological malignancy (PMID: 31470354, 35671390, 36322930). ClinVar contains an entry for this variant (Variation ID: 1337840). An algorithm developed to predict the effect of missense changes on protein structure and function (PolyPhen-2) suggests that this variant is likely to be disruptive. In summary, the available evidence is currently insufficient to determine the role of this variant in disease. Therefore, it has been classified as a Variant of Uncertain Significance.

GeneDx
Classification: Likely pathogenic. Last evaluated: 2025-05-19. Review status: criteria provided, single submitter. Criteria: GeneDx Variant Classification Process June 2021. Collection method: clinical testing. Allele origin: germline.
Comment: Not observed at significant frequency in large population cohorts (gnomAD); In silico analysis supports that this missense variant has a deleterious effect on protein structure/function; In silico analysis suggests this variant may impact gene splicing. In the absence of RNA/functional studies, the actual effect of this sequence change is unknown.; This variant is associated with the following publications: (PMID: 36322930, 31470354, 37506341, 35671390, 27721487)

Ambry Genetics
Classification: Uncertain significance for Inborn genetic diseases. Last evaluated: 2025-01-13. Review status: criteria provided, single submitter. Criteria: Ambry Variant Classification Scheme 2023. Collection method: clinical testing. Allele origin: germline.
Comment: The p.Y516C variant (also known as c.1547A>G), located in coding exon 14 of the DDX41 gene, results from an A to G substitution at nucleotide position 1547. The tyrosine at codon 516 is replaced by cysteine, an amino acid with highly dissimilar properties. This variant was reported in the germline of an individual within a pediatric AML cohort (Jeong D et al. Leuk Res, 2019 Oct;85:106210). Additionally, this variant was reported in multiple older individual(s) with features consistent with DDX41-related hematologic malignancy predisposition syndrome (Homan CC et al. Blood Adv, 2023 Oct;7:6092-6107; Maierhofer A et al. Blood Adv, 2023 Dec;7:7346-7357; Makishima H et al. Blood, 2023 Feb;141:534-549). This amino acid position is highly conserved in available vertebrate species. In addition, this alteration is predicted to be deleterious by in silico analysis. Based on the available evidence, the clinical significance of this variant remains unclear.

Baylor Genetics
Classification: Uncertain significance for DDX41-related hematologic malignancy predisposition syndrome. Last evaluated: 2024-01-23. Review status: criteria provided, single submitter. Criteria: ACMG Guidelines, 2015. Collection method: clinical testing. Allele origin: unknown.

Blueprint Genetics
Classification: Likely pathogenic for DDX41-related disorders. Last evaluated: 2023-10-25. Review status: criteria provided, single submitter. Criteria: ACMG Guidelines, 2015. Collection method: clinical testing. Allele origin: germline. Affected: yes. Observed: 2 variant alleles.

PreventionGenetics, part of Exact Sciences
Classification: Uncertain significance for DDX41-related condition. Last evaluated: 2023-01-10. Review status: criteria provided, single submitter. Criteria: ACMG Guidelines, 2015. Collection method: clinical testing. Allele origin: germline.
Comment: The DDX41 c.1547A>G variant is predicted to result in the amino acid substitution p.Tyr516Cys. This variant was reported in an individual with acute myeloid leukemia (Patient 4 in Jeong et al. 2019. PubMed ID: 31470354) and in two individuals with myeloid neoplasms (Supplemental Table 3 in Makishima et al. 2022. PubMed ID: 36322930). This variant has not been reported in a large population database, indicating this variant is rare. This variant has been interpreted as uncertain in ClinVar. At this time, the clinical significance of this variant is uncertain due to the absence of conclusive functional and genetic evidence.

Genetic Services Laboratory, University of Chicago
Classification: Uncertain significance. Last evaluated: 2021-02-15. Review status: criteria provided, single submitter. Criteria: ACMG Guidelines, 2015. Collection method: clinical testing. Allele origin: germline. Affected: no.

Clinical Genomics Labs, University Health Network
Classification: Uncertain significance for DDX41-related hematologic malignancy predisposition syndrome. Last evaluated: 2022-12-29. Review status: no assertion criteria provided. Criteria: ACMG Guidelines, 2015. Collection method: clinical testing. Allele origin: germline. Affected: yes. Not counted in ClinVar's aggregate classification.

Literature cited by the submitters: PubMed 31470354 (cited by Labcorp Genetics (formerly Invitae), Labcorp and Ambry Genetics); PubMed 35671390 (cited by Labcorp Genetics (formerly Invitae), Labcorp); PubMed 36322930 (cited by Labcorp Genetics (formerly Invitae), Labcorp and Ambry Genetics); PubMed 37406166 (cited by Ambry Genetics); PubMed 37874914 (cited by Ambry Genetics).

NM_016222.4(DDX41):c.1547A>G (p.Tyr516Cys)

Gene: DDX41 (DEAD-box helicase 41; minus strand). Cytogenetic location: 5q35.3.
Variant type: single nucleotide variant.
Coding change: c.1547A>G on transcript NM_016222.4 (MANE Select); coding-DNA position 1547, A replaced by G.
Protein change: p.Tyr516Cys; replaces tyrosine 516 with cysteine.
Molecular consequence: missense variant.
Genome position (GRCh38, 1-based): chr5:177,512,498, T>C on the plus strand (A>G on the coding strand, the complement: DDX41 is on the minus strand). VCF-style: chr5-177512498-T-C. GRCh37 (hg19) VCF-style: chr5-176939499-T-C.
Other names: c.1547A>G (NM_016222.2); c.1169A>G, p.Tyr390Cys (NM_001321732.2, NM_001321830.2); short protein forms Y390C, Y516C.
Identifiers: ClinVar variation 1337840 (VCV001337840.14), dbSNP rs1014402897, ClinGen allele CA132889653.
Genomic context (GRCh38, chr5:177,512,498, plus strand): 5'-GGGGCCTGGCTTGGCCCTTTTCCGGCCTAACCCATGCCCTTGGGCCCCAGGCTCTTACCA[T>C]AGTTCTCAATCTCCTCTGGCATGTCATAATTGATGACGTGCTGGATGGCAGGGAAGTCCA-3'
Protein context (NP_057306.2, residues 506-526): NYDMPEEIEN[Tyr516Cys]VHRIGRTGRS